The following is an entry in ClinVar:

ClinVar aggregate classification (germline): Uncertain significance (1 of 4 stars; one submission).

Submission:

Ambry Genetics
Classification: Uncertain significance. Last evaluated: 2024-07-09. Review status: criteria provided, single submitter. Criteria: Ambry Variant Classification Scheme 2023. Collection method: clinical testing. Allele origin: germline.
Comment: The p.E609K variant (also known as c.1825G>A), located in coding exon 3 of the ALPK2 gene, results from a G to A substitution at nucleotide position 1825. The glutamic acid at codon 609 is replaced by lysine, an amino acid with similar properties. This amino acid position is conserved. In addition, this alteration is predicted to be tolerated by in silico analysis. Based on the available evidence, the clinical significance of this variant remains unclear.

NM_052947.4(ALPK2):c.1825G>A (p.Glu609Lys)

Gene: ALPK2 (alpha kinase 2; minus strand). Cytogenetic location: 18q21.31.
Variant type: single nucleotide variant.
Coding change: c.1825G>A on transcript NM_052947.4 (MANE Select); coding-DNA position 1825, G replaced by A.
Protein change: p.Glu609Lys; replaces glutamic acid 609 with lysine.
Molecular consequence: missense variant.
Genome position (GRCh38, 1-based): chr18:58,578,951, C>T on the plus strand (G>A on the coding strand, the complement: ALPK2 is on the minus strand). VCF-style: chr18-58578951-C-T. GRCh37 (hg19) VCF-style: chr18-56246183-C-T.
Other names: short protein forms E609K.
Identifiers: ClinVar variation 3530704 (VCV003530704.1).